The following is an entry in ClinVar:

NM_198578.4(LRRK2):c.894T>C (p.Ala298=)

Gene: LRRK2 (leucine rich repeat kinase 2; plus strand). Cytogenetic location: 12q12.
Variant type: single nucleotide variant.
Coding change: c.894T>C on transcript NM_198578.4 (MANE Select); coding-DNA position 894, T replaced by C.
Protein change: p.Ala298=; no amino-acid change (alanine 298 retained).
Molecular consequence: synonymous variant.
Genome position (GRCh38, 1-based): chr12:40,249,881, T>C. VCF-style: chr12-40249881-T-C. GRCh37 (hg19) VCF-style: chr12-40643683-T-C.
Identifiers: ClinVar variation 39245 (VCV000039245.3), dbSNP rs57355477, ClinGen allele CA343699.

ClinVar aggregate classification (germline): Uncertain significance (0 of 4 stars; one submission).

Conditions:
Autosomal dominant Parkinson disease 8. Also called: LRRK2-Related Parkinson Disease; Parkinson disease 8; Parkinson disease 8, susceptibility to. Identifiers: Orphanet 411602, MedGen C1846862, MONDO:0011764, OMIM 607060.

Submission:

GeneReviews
Classification: Uncertain significance for LRRK2-Related Parkinson Disease. Last evaluated: 2012-09-13. Review status: no assertion criteria provided. Collection method: curation. Allele origin: unknown.
ClinVar note: Converted during submission from unknown to Uncertain significance.